The following is an entry in ClinVar:

ClinVar aggregate classification (germline): Uncertain significance (1 of 4 stars; one submission).

Conditions:
Epidermolysis bullosa simplex 5C, with pyloric atresia (EBS5C). Also called: Epidermolysis bullosa simplex with pyloric atresia; PLEC-Related Epidermolysis Bullosa with Pyloric Atresia; PLEC1-Related Epidermolysis Bullosa with Pyloric Atresia. Identifiers: Orphanet 158684, MedGen C2677349, MONDO:0012807, OMIM 612138.
Epidermolysis bullosa simplex with nail dystrophy (EBS5D). Identifiers: MedGen C4225309, MONDO:0014661, OMIM 616487.
Epidermolysis bullosa simplex 5B, with muscular dystrophy (EBS5B). Also called: Epidermolysis bullosa simplex with muscular dystrophy; EPIDERMOLYSIS BULLOSA SIMPLEX AND LIMB-GIRDLE MUSCULAR DYSTROPHY. Identifiers: Orphanet 257, MedGen C2931072, MONDO:0009181, OMIM 226670.
Autosomal recessive limb-girdle muscular dystrophy type 2Q (LGMDR17). Also called: MUSCULAR DYSTROPHY, LIMB-GIRDLE, AUTOSOMAL RECESSIVE 17. Identifiers: Orphanet 254361, MedGen C3150989, MONDO:0013390, OMIM 613723.
Epidermolysis bullosa simplex, Ogna type (EBS5A). Also called: Pidermolysis bullosa simplex 5A, Ogna type; EPIDERMOLYSIS BULLOSA SIMPLEX 5A, OGNA TYPE. Identifiers: Orphanet 79401, MedGen C0432317, MONDO:0007555, OMIM 131950.

Allele frequency attached by ClinVar (database versions not stated): ExAC 0.00002; gnomAD exomes 0.00002 and 0.00003; gnomAD 0.00003 and 0.00004; TOPMed 0.00003.

Submission:

Labcorp Genetics (formerly Invitae), Labcorp
Classification: Uncertain significance for Autosomal recessive limb-girdle muscular dystrophy type 2Q; Epidermolysis bullosa simplex, Ogna type; Epidermolysis bullosa simplex with nail dystrophy; Epidermolysis bullosa simplex 5C, with pyloric atresia; Epidermolysis bullosa simplex 5B, with muscular dystrophy. Last evaluated: 2025-10-07. Review status: criteria provided, single submitter. Criteria: Invitae Variant Classification Sherloc (09022015). Collection method: clinical testing. Allele origin: germline.
Comment: This sequence change replaces cysteine, which is neutral and slightly polar, with tyrosine, which is neutral and polar, at codon 435 of the PLEC protein (p.Cys435Tyr). This variant is present in population databases (rs782274727, gnomAD 0.02%). This variant has not been reported in the literature in individuals affected with PLEC-related conditions. ClinVar contains an entry for this variant (Variation ID: 1402262). Experimental studies and prediction algorithms are not available or were not evaluated, and the functional significance of this variant is currently unknown. In summary, the available evidence is currently insufficient to determine the role of this variant in disease. Therefore, it has been classified as a Variant of Uncertain Significance.

NM_201384.3(PLEC):c.1223G>A (p.Cys408Tyr)

Gene: PLEC (plectin; minus strand). Cytogenetic location: 8q24.3.
Variant type: single nucleotide variant.
Coding change: c.1223G>A on transcript NM_201384.3 (MANE Select); coding-DNA position 1223, G replaced by A.
Protein change: p.Cys408Tyr; replaces cysteine 408 with tyrosine.
Molecular consequence: missense variant.
Genome position (GRCh38, 1-based): chr8:143,934,038, C>T on the plus strand (G>A on the coding strand, the complement: PLEC is on the minus strand). VCF-style: chr8-143934038-C-T. GRCh37 (hg19) VCF-style: chr8-145008206-C-T.
Other names: c.1304G>A, p.Cys435Tyr (NM_000445.5); c.1181G>A, p.Cys394Tyr (NM_201378.4); c.1157G>A, p.Cys386Tyr (NM_201379.3); c.1634G>A, p.Cys545Tyr (NM_201380.4); c.1127G>A, p.Cys376Tyr (NM_201381.3); c.1223G>A, p.Cys408Tyr (NM_201382.4); c.1235G>A, p.Cys412Tyr (NM_201383.3); short protein forms C545Y, C376Y, C386Y, C412Y, C394Y, C408Y, C435Y.
Identifiers: ClinVar variation 1402262 (VCV001402262.6), dbSNP rs782274727, ClinGen allele CA4928098.
Genomic context (GRCh38, chr8:143,934,038, plus strand): 5'-CCTGCCCCACACCCCCTCACCGACTGCAGCAGGGCGTCGGCCTGGTTCAGCTGCTCCTCA[C>T]ACAGCCCCGCCTCCATCTGCAGCTTGGTCACGATGCGCTGAAGACACTCCAGCCTGCAGC-3'
Protein context (NP_958786.1, residues 398-418): VTKLQMEAGL[Cys408Tyr]EEQLNQADAL